The following is an entry in ClinVar:

ClinVar aggregate classification (germline): Likely pathogenic (1 of 4 stars; one submission).

Allele frequency attached by ClinVar (database versions not stated): gnomAD exomes 0.00001.
gnomAD v4.1: 3 of 1,581,780 alleles (0.00019%); highest among the groups gnomAD compares: South Asian, 0.0023%; no homozygotes.

Submission:

Mayo Clinic Laboratories, Mayo Clinic
Classification: Likely pathogenic. Last evaluated: 2022-06-06. Review status: criteria provided, single submitter. Criteria: ACMG Guidelines, 2015. Collection method: clinical testing. Allele origin: germline. Observed: 1 variant allele.
Comment: PM2, PVS1

NM_001478.5(B4GALNT1):c.713-1G>A

Gene: B4GALNT1 (beta-1,4-N-acetyl-galactosaminyltransferase 1; minus strand). Cytogenetic location: 12q13.3.
Variant type: single nucleotide variant.
Coding change: c.713-1G>A on transcript NM_001478.5 (MANE Select); the canonical splice acceptor site of the intron before coding-DNA position 713, G replaced by A.
Molecular consequence: splice acceptor variant. On other transcripts: intron variant (1).
Genome position (GRCh38, 1-based): chr12:57,629,147, C>T on the plus strand (G>A on the coding strand, the complement: B4GALNT1 is on the minus strand). VCF-style: chr12-57629147-C-T. GRCh37 (hg19) VCF-style: chr12-58022930-C-T.
Other names: c.548-1G>A (NM_001413978.1, NM_001276468.2); c.-275-1G>A (NM_001413984.1, NM_001413982.1, NM_001413981.1 and 1 more transcripts); c.713-244G>A (NM_001413977.1); c.713-1G>A (NM_001413970.1, NM_001413968.1, NM_001413967.1 and 7 more transcripts).
Identifiers: ClinVar variation 2682932 (VCV002682932.1), dbSNP rs2540661679, ClinGen allele CA385498524.